The following is an entry in ClinVar:

ClinVar aggregate classification (germline): Benign/Likely benign. Review status: criteria provided, multiple submitters, no conflicts (2 of 4 stars). 6 submissions from 6 submitters: Benign (3); Likely benign (2). 1 of the submissions does not count toward it. Last evaluated 2026-01-28.

Conditions:
ACADM-related disorder. Also called: ACADM-related condition.
Medium-chain acyl-coenzyme A dehydrogenase deficiency (ACADMD). Also called: MCADD; Medium chain acyl-CoA dehydrogenase deficiency; ACADM DEFICIENCY; CARNITINE DEFICIENCY SECONDARY TO MEDIUM-CHAIN ACYL-CoA DEHYDROGENASE DEFICIENCY; MCADH DEFICIENCY; MCAD Deficiency. Identifiers: Orphanet 42, MedGen C0220710, MONDO:0008721, OMIM 201450.

Allele frequency attached by ClinVar (database versions not stated): gnomAD exomes 0.00022 and 0.00059; ExAC 0.00063; 1000 Genomes Project 0.00100; 1000 Genomes Project 30x 0.00109; ESP Exome Variant Server 0.00192; gnomAD 0.00205 and 0.00223; TOPMed 0.00284.
gnomAD v4.1: 652 of 1,588,988 alleles (0.041%); highest among the groups gnomAD compares: African/African-American, 0.74%; 5 homozygotes.

Submissions (6):

Labcorp Genetics (formerly Invitae), Labcorp
Classification: Benign for Medium-chain acyl-coenzyme A dehydrogenase deficiency. Last evaluated: 2026-01-28. Review status: criteria provided, single submitter. Criteria: Invitae Variant Classification Sherloc (09022015). Collection method: clinical testing. Allele origin: germline.

PreventionGenetics, part of Exact Sciences
Classification: Benign for ACADM-related condition. Last evaluated: 2025-05-05. Review status: criteria provided, single submitter. Criteria: ACMG Guidelines, 2015. Collection method: clinical testing. Allele origin: germline.
Comment: This variant is classified as benign based on ACMG/AMP sequence variant interpretation guidelines (Richards et al. 2015 PMID: 25741868, with internal and published modifications).

GeneDx
Classification: Likely benign. Last evaluated: 2019-04-09. Review status: criteria provided, single submitter. Criteria: GeneDx Variant Classification Process June 2021. Collection method: clinical testing. Allele origin: germline. Affected: yes.

Women's Health and Genetics/Laboratory Corporation of America, LabCorp
Classification: Likely benign. Last evaluated: 2018-09-10. Review status: criteria provided, single submitter. Criteria: LabCorp Variant Classification Summary - May 2015. Collection method: clinical testing. Allele origin: germline.
Comment: Variant summary: ACADM c.469-9A>G alters a non-conserved nucleotide located close to a canonical splice site and therefore could affect mRNA splicing, leading to a significantly altered protein sequence. 5/5 computational tools predict no significant impact on normal splicing. However, these predictions have yet to be confirmed by functional studies. The variant allele was found at a frequency of 0.00074 in 262480 control chromosomes, predominantly within the African subpopulation at a frequency of 0.0074 in the gnomAD database. The observed variant frequency within African control individuals is slightly higher than the estimated maximal expected allele frequency for a pathogenic variant in ACADM causing Medium Chain Acyl-CoA Dehydrogenase Deficiency phenotype (0.0054), suggesting that the variant is a benign polymorphism found primarily in populations of African origin. To our knowledge, no occurrence of c.469-9A>G in individuals affected with Medium Chain Acyl-CoA Dehydrogenase Deficiency and no experimental evidence demonstrating its impact on protein function have been reported. Three ClinVar submissions from other clinical diagnostic laboratories (evaluation after 2014) cite the variant as likely benign/benign. Based on the evidence outlined above, the variant was classified as likely benign.

ARUP Laboratories, Molecular Genetics and Genomics, ARUP Laboratories
Classification: Benign for Medium-chain acyl-coenzyme A dehydrogenase deficiency. Last evaluated: 2015-02-20. Review status: criteria provided, single submitter. Criteria: ACMG Guidelines, 2015. Collection method: clinical testing. Allele origin: germline. Inheritance: Autosomal recessive inheritance. Observed: 2 heterozygotes.

Natera, Inc.
Classification: Likely benign for Medium Chain Acyl-CoA Dehydrogenase Deficiency. Last evaluated: 2017-05-06. Review status: no assertion criteria provided. Collection method: clinical testing. Allele origin: germline. Not counted in ClinVar's aggregate classification.

NM_000016.6(ACADM):c.469-9A>G

Gene: ACADM (acyl-CoA dehydrogenase medium chain; plus strand). Cytogenetic location: 1p31.1.
Variant type: single nucleotide variant.
Coding change: c.469-9A>G on transcript NM_000016.6 (MANE Select); 9 bases into the intron before coding-DNA position 469, A replaced by G.
Molecular consequence: intron variant.
Genome position (GRCh38, 1-based): chr1:75,739,971, A>G. VCF-style: chr1-75739971-A-G. GRCh37 (hg19) VCF-style: chr1-76205656-A-G.
Other names: c.481-9A>G (NM_001127328.3); c.568-9A>G (NM_001286043.2); c.361-9A>G (NM_001286042.2); c.-99-9A>G (NM_001286044.2).
Identifiers: ClinVar variation 226107 (VCV000226107.31), dbSNP rs181322317, ClinGen allele CA913125.